The following is an entry in ClinVar:

NM_000548.5(TSC2):c.2548del (p.Leu850fs)

Gene: TSC2 (TSC complex subunit 2; plus strand). Cytogenetic location: 16p13.3.
Variant type: Deletion.
Coding change: c.2548del on transcript NM_000548.5 (MANE Select); coding-DNA position 2548, one base deleted (C; older notation c.2548delC).
Protein change: p.Leu850fs; shifts the reading frame from leucine 850.
Molecular consequence: frameshift variant.
Genome position (GRCh38, 1-based): chr16:2,075,801, C deleted. VCF-style (leftmost placement, unchanged base first): chr16-2075800-TC-T. GRCh37 (hg19) VCF-style: chr16-2125801-TC-T.
Other names: c.2548del, p.Leu850fs (NM_001077183.3, NM_001114382.3, NM_001363528.2 and 3 more transcripts); c.2437del, p.Leu813fs (NM_001318827.2); c.2401del, p.Leu801fs (NM_001318829.2); c.1948del, p.Leu650fs (NM_001318831.2); c.2581del, p.Leu861fs (NM_001318832.2); short protein forms L801fs, L850fs, L861fs, L650fs, L813fs.
Identifiers: ClinVar variation 946975 (VCV000946975.9), dbSNP rs2089256835, ClinGen allele CA1139664317.

ClinVar aggregate classification (germline): Pathogenic (1 of 4 stars; one submission).

Conditions:
Tuberous sclerosis 2 (TSC2). Identifiers: Orphanet 805, MedGen C1860707, MONDO:0013199, OMIM 613254.

Submission:

Labcorp Genetics (formerly Invitae), Labcorp
Classification: Pathogenic for Tuberous sclerosis 2. Last evaluated: 2019-05-02. Review status: criteria provided, single submitter. Criteria: Invitae Variant Classification Sherloc (09022015). Collection method: clinical testing. Allele origin: germline.
Comment: For these reasons, this variant has been classified as Pathogenic. Loss-of-function variants in TSC2 are known to be pathogenic (PMID: 10205261, 17304050). This variant has been observed in an individual affected with tuberous sclerosis (PMID: 10205261). This variant is not present in population databases (ExAC no frequency). This sequence change creates a premature translational stop signal (p.Leu850Trpfs*44) in the TSC2 gene. It is expected to result in an absent or disrupted protein product.

Literature cited by the submitters: PubMed 10205261; PubMed 17304050.